The following is an entry in ClinVar:

NM_001374828.1(ARID1B):c.2657C>T (p.Pro886Leu)

Gene: ARID1B (AT-rich interaction domain 1B; plus strand). Cytogenetic location: 6q25.3.
Variant type: single nucleotide variant.
Coding change: c.2657C>T on transcript NM_001374828.1 (MANE Select); coding-DNA position 2657, C replaced by T.
Protein change: p.Pro886Leu; replaces proline 886 with leucine.
Molecular consequence: missense variant.
Genome position (GRCh38, 1-based): chr6:157,133,103, C>T. VCF-style: chr6-157133103-C-T. GRCh37 (hg19) VCF-style: chr6-157454237-C-T.
Other names: c.2408C>T, p.Pro803Leu (NM_001346813.1); c.158C>T, p.Pro53Leu (NM_001363725.2); c.2696C>T, p.Pro899Leu (NM_001371656.1, NM_001374820.1); c.2657C>T, p.Pro886Leu (NM_017519.3); c.2447C>T, p.Pro816Leu (NM_020732.3); c.2234C>T, p.Pro745Leu (NM_175863.2); short protein forms P53L, P745L, P803L, P816L, P886L, P899L.
Identifiers: ClinVar variation 2635458 (VCV002635458.1), dbSNP rs2128585514, ClinGen allele CA366388355.

ClinVar aggregate classification (germline): Uncertain significance (1 of 4 stars; one submission).

Conditions:
ARID1B-Related Disorder. Identifiers: MedGen CN381337.

Allele frequency attached by ClinVar (database versions not stated): gnomAD exomes below 0.00001.
gnomAD v4.1: 1 of 1,614,204 alleles (0.000062%); highest among the groups gnomAD compares: Non-Finnish European, 0.000085%; no homozygotes.

Submission:

PreventionGenetics, part of Exact Sciences
Classification: Uncertain significance for ARID1B-related condition. Last evaluated: 2023-01-02. Review status: criteria provided, single submitter. Criteria: ACMG Guidelines, 2015. Collection method: clinical testing. Allele origin: germline.
Comment: The ARID1B c.2447C>T variant is predicted to result in the amino acid substitution p.Pro816Leu. To our knowledge, this variant has not been reported in the literature or in a large population database, indicating this variant is rare. At this time, the clinical significance of this variant is uncertain due to the absence of conclusive functional and genetic evidence.